The following is an entry in ClinVar:

NM_000059.4(BRCA2):c.6129dup (p.Gly2044fs)

Gene: BRCA2 (BRCA2 DNA repair associated; plus strand). Cytogenetic location: 13q13.1.
Variant type: Duplication.
Coding change: c.6129dup on transcript NM_000059.4 (MANE Select); coding-DNA position 6129, one base duplicated (A; older notation c.6129dupA).
Protein change: p.Gly2044fs; shifts the reading frame from glycine 2044.
Molecular consequence: frameshift variant.
Genome position (GRCh38, 1-based): chr13:32,340,484, A duplicated; the last of 5 consecutive A bases (chr13:32,340,480-32,340,484); duplicating any one gives the same sequence. VCF-style (leftmost placement, unchanged base first): chr13-32340479-C-CA. GRCh37 (hg19) VCF-style: chr13-32914616-C-CA.
Other names: 6357insA; c.6129dupA (NM_000059.3); short protein forms G2044fs.
Identifiers: ClinVar variation 52018 (VCV000052018.17), dbSNP rs80359561, ClinGen allele CA023682.

ClinVar aggregate classification (germline): Pathogenic. Review status: reviewed by expert panel (3 of 4 stars). 7 submissions from 7 submitters: Pathogenic (1). 6 of the submissions do not count toward it. Last evaluated 2016-09-08.

Conditions:
Hereditary breast ovarian cancer syndrome. Also called: Hereditary breast and ovarian cancer syndrome; Hereditary breast and ovarian cancer; Hereditary breast and ovarian cancer syndrome (HBOC); Breast and ovarian cancer; Hereditary breast and/or ovarian cancer syndrome; BRCA1- and BRCA2-Associated Hereditary Breast and Ovarian Cancer. Identifiers: Orphanet 145, MedGen C0677776, MeSH D061325, MONDO:0003582. Disease mechanism: loss of function.
Hereditary cancer-predisposing syndrome. Also called: Neoplastic Syndromes, Hereditary; Tumor predisposition; Hereditary neoplastic syndrome; Hereditary Cancer Syndrome. Identifiers: Orphanet 140162, MedGen C0027672, MeSH D009386, MONDO:0015356.
Breast-ovarian cancer, familial, susceptibility to, 2 (BROVCA2). Also called: BRCA2 Hereditary Breast and Ovarian Cancer. Identifiers: Orphanet 145, MedGen C2675520, MONDO:0012933, OMIM 612555. Disease mechanism: loss of function.

Submissions (7):

Evidence-based Network for the Interpretation of Germline Mutant Alleles (ENIGMA)
Classification: Pathogenic for Breast-ovarian cancer, familial, susceptibility to, 2. Last evaluated: 2016-09-08. Review status: reviewed by expert panel. Criteria: ENIGMA BRCA1/2 Classification Criteria (2015). Collection method: curation. Allele origin: germline.
Comment: Variant allele predicted to encode a truncated non-functional protein.

Ambry Genetics
Classification: Pathogenic for Hereditary cancer-predisposing syndrome. Last evaluated: 2025-08-18. Review status: criteria provided, single submitter. Criteria: Ambry Variant Classification Scheme 2023. Collection method: clinical testing. Allele origin: germline. Not counted in ClinVar's aggregate classification.
Comment: The c.6129dupA pathogenic mutation, located in coding exon 10 of the BRCA2 gene, results from a duplication of A at nucleotide position 6129, causing a translational frameshift with a predicted alternate stop codon (p.G2044Rfs*5). This alteration has been identified in multiple individuals with personal and/or family history of breast and/or ovarian cancer and was identified in a large, worldwide study of BRCA1/2 mutation positive families (Finkelman BS et al. J. Clin. Oncol., 2012 Apr;30:1321-8; Carter NJ et al. Gynecol. Oncol., 2018 12;151:481-488; Rebbeck TR et al. Hum. Mutat., 2018 05;39:593-620). Of note, this alteration is also designated as 6357insA in published literature. This alteration is expected to result in loss of function by premature protein truncation or nonsense-mediated mRNA decay. As such, this alteration is interpreted as a disease-causing mutation.

Labcorp Genetics (formerly Invitae), Labcorp
Classification: Pathogenic for Hereditary breast ovarian cancer syndrome. Last evaluated: 2025-04-16. Review status: criteria provided, single submitter. Criteria: Invitae Variant Classification Sherloc (09022015). Collection method: clinical testing. Allele origin: germline. Not counted in ClinVar's aggregate classification.
Comment: This sequence change creates a premature translational stop signal (p.Gly2044Argfs*5) in the BRCA2 gene. It is expected to result in an absent or disrupted protein product. Loss-of-function variants in BRCA2 are known to be pathogenic (PMID: 20104584). This variant is not present in population databases (gnomAD no frequency). This premature translational stop signal has been observed in individual(s) with breast and/or ovarian cancer (PMID: 12402332, 22430266). This variant is also known as 6357insA. ClinVar contains an entry for this variant (Variation ID: 52018). For these reasons, this variant has been classified as Pathogenic.

GeneDx
Classification: Pathogenic. Last evaluated: 2016-05-16. Review status: criteria provided, single submitter. Criteria: GeneDx Variant Classification (06012015). Collection method: clinical testing. Allele origin: germline. Affected: yes. Not counted in ClinVar's aggregate classification.
Comment: This duplication of one nucleotide in BRCA2 is denoted c.6129dupA at the cDNA level and p.Gly2044ArgfsX5 (G2044RfsX5) at the protein level. The normal sequence, with the base that is duplicated in braces, is CAAAA[A]GGCT. The duplication causes a frameshift which changes a Glycine to an Arginine at codon 2044, and creates a premature stop codon at position 5 of the new reading frame. This variant is predicted to cause loss of normal protein function through either protein truncation or nonsense-mediated mRNA decay. BRCA2 c.6129dupA, also known as BRCA2 6357dupA by alternate nomenclature, has been identified in an individual undergoing testing for Hereditary Breast and Ovarian Cancer (Frank 2002, Phelan 2002). We consider this variant to be pathogenic.

Quest Diagnostics Nichols Institute San Juan Capistrano
Classification: Pathogenic. Last evaluated: 2016-04-09. Review status: criteria provided, single submitter. Criteria: Quest Diagnostics criteria. Collection method: clinical testing. Allele origin: germline. Not counted in ClinVar's aggregate classification.

Consortium of Investigators of Modifiers of BRCA1/2 (CIMBA), c/o University of Cambridge
Classification: Pathogenic for Breast-ovarian cancer, familial, susceptibility to, 2. Last evaluated: 2015-10-02. Review status: criteria provided, single submitter. Criteria: CIMBA Mutation Classification guidelines May 2016. Collection method: clinical testing. Allele origin: germline. Not counted in ClinVar's aggregate classification.

Breast Cancer Information Core (BIC) (BRCA2)
Classification: Pathogenic for Breast-ovarian cancer, familial 2. Last evaluated: 2001-01-17. Review status: no assertion criteria provided. Collection method: clinical testing. Allele origin: germline. Affected: yes. Observed: 1 variant allele. Not counted in ClinVar's aggregate classification.

Literature cited by the submitters: PubMed 11896095 (cited by Ambry Genetics and Quest Diagnostics Nichols Institute San Juan Capistrano); PubMed 12402332 (cited by 3 submitters); PubMed 22430266 (cited by 3 submitters); PubMed 29446198 (cited by Ambry Genetics); PubMed 30322717 (cited by Ambry Genetics); PubMed 20104584 (cited by Labcorp Genetics (formerly Invitae), Labcorp); PubMed 26295337 (cited by Quest Diagnostics Nichols Institute San Juan Capistrano).